The following is an entry in ClinVar:

NM_000124.4(ERCC6):c.3168C>A (p.Phe1056Leu)

Gene: ERCC6 (ERCC excision repair 6, chromatin remodeling factor; minus strand). Cytogenetic location: 10q11.23.
Variant type: single nucleotide variant.
Coding change: c.3168C>A on transcript NM_000124.4 (MANE Select); coding-DNA position 3168, C replaced by A.
Protein change: p.Phe1056Leu; replaces phenylalanine 1056 with leucine.
Molecular consequence: missense variant.
Genome position (GRCh38, 1-based): chr10:49,470,792, G>T on the plus strand (C>A on the coding strand, the complement: ERCC6 is on the minus strand). VCF-style: chr10-49470792-G-T. GRCh37 (hg19) VCF-style: chr10-50678838-G-T.
Other names: c.3168C>A, p.Phe1056Leu (NM_001346440.2); short protein forms F1056L.
Identifiers: ClinVar variation 2159584 (VCV002159584.1), dbSNP rs935035148, ClinGen allele CA206584910.

ClinVar aggregate classification (germline): Uncertain significance (1 of 4 stars; one submission).

Allele frequency attached by ClinVar (database versions not stated): gnomAD 0.00001; TOPMed 0.00001.
gnomAD v4.1: 41 of 1,614,018 alleles (0.0025%); highest among the groups gnomAD compares: Non-Finnish European, 0.0035%; no homozygotes.

Submission:

Labcorp Genetics (formerly Invitae), Labcorp
Classification: Uncertain significance. Last evaluated: 2022-04-07. Review status: criteria provided, single submitter. Criteria: Invitae Variant Classification Sherloc (09022015). Collection method: clinical testing. Allele origin: germline.
Comment: This sequence change replaces phenylalanine, which is neutral and non-polar, with leucine, which is neutral and non-polar, at codon 1056 of the ERCC6 protein (p.Phe1056Leu). This variant is present in population databases (no rsID available, gnomAD 0.002%). This variant has not been reported in the literature in individuals affected with ERCC6-related conditions. Algorithms developed to predict the effect of missense changes on protein structure and function output the following: SIFT: "Tolerated"; PolyPhen-2: "Benign"; Align-GVGD: "Class C0". The leucine amino acid residue is found in multiple mammalian species, which suggests that this missense change does not adversely affect protein function. In summary, the available evidence is currently insufficient to determine the role of this variant in disease. Therefore, it has been classified as a Variant of Uncertain Significance.